The following is an entry in ClinVar:

ClinVar aggregate classification (germline): Uncertain significance. Review status: criteria provided, multiple submitters, no conflicts (2 of 4 stars). 2 submissions from 2 submitters: Uncertain significance (2). Last evaluated 2025-09-19.

Conditions:
Gorlin syndrome. Also called: Basal cell nevus syndrome; Nevoid Basal Cell Carcinoma Syndrome. Identifiers: Orphanet 377, MedGen C0004779, MONDO:0007187.
Hereditary cancer-predisposing syndrome. Also called: Hereditary Cancer Syndrome; Tumor predisposition; Neoplastic Syndromes, Hereditary; Hereditary neoplastic syndrome. Identifiers: Orphanet 140162, MedGen C0027672, MeSH D009386, MONDO:0015356.

Allele frequency attached by ClinVar (database versions not stated): TOPMed below 0.00001.
gnomAD v4.1: 1 of 1,613,984 alleles (0.000062%); no homozygotes.

Submissions (2):

Ambry Genetics
Classification: Uncertain significance for Hereditary cancer-predisposing syndrome. Last evaluated: 2025-09-19. Review status: criteria provided, single submitter. Criteria: Ambry Variant Classification Scheme 2023. Collection method: clinical testing. Allele origin: germline.
Comment: The p.E1242A variant (also known as c.3725A>C), located in coding exon 22 of the PTCH1 gene, results from an A to C substitution at nucleotide position 3725. The glutamic acid at codon 1242 is replaced by alanine, an amino acid with dissimilar properties. This amino acid position is conserved. In addition, the in silico prediction for this alteration is inconclusive. Based on the available evidence, the clinical significance of this variant remains unclear.

Labcorp Genetics (formerly Invitae), Labcorp
Classification: Uncertain significance for Gorlin syndrome. Last evaluated: 2024-12-22. Review status: criteria provided, single submitter. Criteria: Invitae Variant Classification Sherloc (09022015). Collection method: clinical testing. Allele origin: germline.
Comment: This sequence change replaces glutamic acid, which is acidic and polar, with alanine, which is neutral and non-polar, at codon 1242 of the PTCH1 protein (p.Glu1242Ala). This variant is not present in population databases (gnomAD no frequency). This variant has not been reported in the literature in individuals affected with PTCH1-related conditions. ClinVar contains an entry for this variant (Variation ID: 2104196). Invitae Evidence Modeling of protein sequence and biophysical properties (such as structural, functional, and spatial information, amino acid conservation, physicochemical variation, residue mobility, and thermodynamic stability) indicates that this missense variant is not expected to disrupt PTCH1 protein function with a negative predictive value of 95%. In summary, the available evidence is currently insufficient to determine the role of this variant in disease. Therefore, it has been classified as a Variant of Uncertain Significance.

NM_000264.5(PTCH1):c.3725A>C (p.Glu1242Ala)

Gene: PTCH1 (patched 1; minus strand). Cytogenetic location: 9q22.32.
Variant type: single nucleotide variant.
Coding change: c.3725A>C on transcript NM_000264.5 (MANE Select); coding-DNA position 3725, A replaced by C.
Protein change: p.Glu1242Ala; replaces glutamic acid 1242 with alanine.
Molecular consequence: missense variant. On other transcripts: non-coding transcript variant (1).
Genome position (GRCh38, 1-based): chr9:95,449,148, T>G on the plus strand (A>C on the coding strand, the complement: PTCH1 is on the minus strand). VCF-style: chr9-95449148-T-G. GRCh37 (hg19) VCF-style: chr9-98211430-T-G.
Other names: c.3527A>C, p.Glu1176Ala (NM_001083602.3); c.3722A>C, p.Glu1241Ala (NM_001083603.3); c.3272A>C, p.Glu1091Ala (NM_001083604.3, NM_001083605.3, NM_001083606.3 and 1 more transcripts); c.3569A>C, p.Glu1190Ala (NM_001354918.2); short protein forms E1176A, E1190A, E1241A, E1091A, E1242A.
Identifiers: ClinVar variation 2104196 (VCV002104196.5), dbSNP rs1838214925, ClinGen allele CA374111062.
Genomic context (GRCh38, chr9:95,449,148, plus strand): 5'-GGGTTTTCTGTGGCTTCCACGATCACTTGGTGGGCAGGGCCTCCCGCGCCCTGCTGGGCC[T>G]CGTAGTGCCGAAGCTCCTCGCTGAGGCCTGACACTGTCGTCTGGGAACTATACTCCGAGT-3'
Protein context (NP_000255.2, residues 1232-1252): SGLSEELRHY[Glu1242Ala]AQQGAGGPAH